The following is an entry in ClinVar:

NM_014975.3(MAST1):c.3234G>A (p.Lys1078=)

Gene: MAST1 (microtubule associated serine/threonine kinase 1; plus strand). Cytogenetic location: 19p13.13.
Variant type: single nucleotide variant.
Coding change: c.3234G>A on transcript NM_014975.3 (MANE Select); coding-DNA position 3234, G replaced by A.
Protein change: p.Lys1078=; no amino-acid change (lysine 1078 retained).
Molecular consequence: synonymous variant.
Genome position (GRCh38, 1-based): chr19:12,871,143, G>A. VCF-style: chr19-12871143-G-A. GRCh37 (hg19) VCF-style: chr19-12981957-G-A.
Other names: c.3234G>A (NM_014975.2).
Identifiers: ClinVar variation 2192592 (VCV002192592.5), dbSNP rs201213432, ClinGen allele CA9233347.

ClinVar aggregate classification (germline): Benign. Review status: criteria provided, single submitter (1 of 4 stars). 2 submissions from 2 submitters: Benign (1). 1 of the submissions does not count toward it. Last evaluated 2024-10-26.

Conditions:
MAST1-related disorder. Also called: MAST1-related condition.

Allele frequency attached by ClinVar (database versions not stated): gnomAD exomes 0.00001; ExAC 0.00007; ESP Exome Variant Server 0.00015; 1000 Genomes Project 0.00020; TOPMed 0.00022; gnomAD 0.00028; 1000 Genomes Project 30x 0.00031.
gnomAD v4.1: 53 of 1,614,214 alleles (0.0033%); highest among the groups gnomAD compares: African/African-American, 0.069%; no homozygotes.

Submissions (2):

Labcorp Genetics (formerly Invitae), Labcorp
Classification: Benign. Last evaluated: 2024-10-26. Review status: criteria provided, single submitter. Criteria: Invitae Variant Classification Sherloc (09022015). Collection method: clinical testing. Allele origin: germline.

PreventionGenetics, part of Exact Sciences
Classification: Likely benign for MAST1-related condition. Last evaluated: 2024-05-23. Review status: no assertion criteria provided. Collection method: clinical testing. Allele origin: germline. Not counted in ClinVar's aggregate classification.
Comment: This variant is classified as likely benign based on ACMG/AMP sequence variant interpretation guidelines (Richards et al. 2015 PMID: 25741868, with internal and published modifications).